The following is an entry in ClinVar:

ClinVar aggregate classification (germline): Uncertain significance (1 of 4 stars; one submission).

Conditions:
Hereditary cancer-predisposing syndrome. Also called: Neoplastic Syndromes, Hereditary; Tumor predisposition; Hereditary neoplastic syndrome; Hereditary Cancer Syndrome. Identifiers: Orphanet 140162, MedGen C0027672, MeSH D009386, MONDO:0015356.

Submission:

Ambry Genetics
Classification: Uncertain significance for Hereditary cancer-predisposing syndrome. Last evaluated: 2026-07-07. Review status: criteria provided, single submitter. Criteria: Ambry Variant Classification Scheme 2023. Collection method: clinical testing. Allele origin: germline.
Comment: The p.P1050L variant (also known as c.3149C>T), located in coding exon 23 of the MSH3 gene, results from a C to T substitution at nucleotide position 3149. The proline at codon 1050 is replaced by leucine, an amino acid with similar properties. This amino acid position is conserved. In addition, the in silico prediction for this alteration is inconclusive. Based on the available evidence, the clinical significance of this variant remains unclear.

NM_002439.5(MSH3):c.3149C>T (p.Pro1050Leu)

Gene: MSH3 (mutS homolog 3; plus strand). Cytogenetic location: 5q14.1.
Variant type: single nucleotide variant.
Coding change: c.3149C>T on transcript NM_002439.5 (MANE Select); coding-DNA position 3149, C replaced by T.
Protein change: p.Pro1050Leu; replaces proline 1050 with leucine.
Molecular consequence: missense variant.
Genome position (GRCh38, 1-based): chr5:80,873,134, C>T. VCF-style: chr5-80873134-C-T. GRCh37 (hg19) VCF-style: chr5-80168953-C-T.
Other names: short protein forms P1050L.
Identifiers: ClinVar variation 5024784 (VCV005024784.1).